The following is an entry in ClinVar:

NM_001042492.3(NF1):c.5595dup (p.Asp1866Ter)

Gene: NF1 (neurofibromin 1; plus strand). Cytogenetic location: 17q11.2.
Variant type: Duplication.
Coding change: c.5595dup on transcript NM_001042492.3 (MANE Select); coding-DNA position 5595, one base duplicated (T; older notation c.5595dupT).
Protein change: p.Asp1866Ter; replaces aspartic acid 1866 with a stop codon.
Molecular consequence: nonsense. On other transcripts: frameshift variant (2).
Genome position (GRCh38, 1-based): chr17:31,327,825, T duplicated. VCF-style (leftmost placement, unchanged base first): chr17-31327824-C-CT. GRCh37 (hg19) VCF-style: chr17-29654842-C-CT.
Other names: c.5532dup, p.Asp1845Terfs (NM_000267.4); c.5595dupT (NM_001042492.2); short protein forms D1845*, D1866*.
Identifiers: ClinVar variation 2630164 (VCV002630164.1), dbSNP rs2508708520, ClinGen allele CA2695201298.

ClinVar aggregate classification (germline): Likely pathogenic (1 of 4 stars; one submission).

Conditions:
NF1-related disorder. Also called: NF1-related condition. Identifiers: MedGen CN379171.

Submission:

PreventionGenetics, part of Exact Sciences
Classification: Likely pathogenic for NF1-related condition. Last evaluated: 2023-02-17. Review status: criteria provided, single submitter. Criteria: ACMG Guidelines, 2015. Collection method: clinical testing. Allele origin: germline.
Comment: The NF1 c.5595dupT variant is predicted to result in premature protein termination (p.Asp1866*). To our knowledge, this variant has not been reported in the literature or in a large population database, indicating this variant is rare. Nonsense variants in NF1 are expected to be pathogenic. This variant is interpreted as likely pathogenic.